The following is an entry in ClinVar:

ClinVar aggregate classification (germline): Conflicting classifications of pathogenicity. Review status: criteria provided, conflicting classifications (1 of 4 stars). 3 submissions from 3 submitters: Uncertain significance (2); Likely benign (1). Last evaluated 2026-04-08.

gnomAD v4.1: 9 of 1,211,448 alleles (0.00074%); highest among the groups gnomAD compares: Non-Finnish European, 0.001%; no homozygotes.

Submissions (3):

Women's Health and Genetics/Laboratory Corporation of America, LabCorp
Classification: Uncertain significance. Last evaluated: 2026-04-08. Review status: criteria provided, single submitter. Criteria: LabCorp Variant Classification Summary - May 2015. Collection method: clinical testing. Allele origin: germline.
Comment: Variant summary: WNK3 c.786G>T (p.Gln262His) results in a non-conservative amino acid change in the encoded protein sequence. Algorithms developed to predict the effect of missense changes on protein structure and function are either unavailable or do not agree on the potential impact of this missense change. The variant allele was found at a frequency of 2.2e-05 in 183268 control chromosomes. The available data on variant occurrences in the general population are insufficient to allow any conclusion about variant significance. To our knowledge, no occurrence of c.786G>T in individuals affected with WNK3-related conditions and no experimental evidence demonstrating its impact on protein function have been reported. ClinVar contains an entry for this variant (Variation ID: 3982250). Based on the evidence outlined above, the variant was classified as uncertain significance.

CeGaT Center for Human Genetics Tuebingen
Classification: Likely benign. Last evaluated: 2025-11-01. Review status: criteria provided, single submitter. Criteria: CeGaT Center For Human Genetics Tuebingen Variant Classification Criteria Version 2. Collection method: clinical testing. Allele origin: germline. Affected: yes. Observed: 1 variant allele.
Comment: WNK3: PP2, BS2

Ambry Genetics
Classification: Uncertain significance. Last evaluated: 2025-05-01. Review status: criteria provided, single submitter. Criteria: Ambry Variant Classification Scheme 2023. Collection method: clinical testing. Allele origin: germline.

NM_020922.5(WNK3):c.786G>T (p.Gln262His)

Gene: WNK3 (WNK lysine deficient protein kinase 3; minus strand). Cytogenetic location: Xp11.22.
Variant type: single nucleotide variant.
Coding change: c.786G>T on transcript NM_020922.5 (MANE Select); coding-DNA position 786, G replaced by T.
Protein change: p.Gln262His; replaces glutamine 262 with histidine.
Molecular consequence: missense variant.
Genome position (GRCh38, 1-based): chrX:54,309,240, C>A on the plus strand (G>T on the coding strand, the complement: WNK3 is on the minus strand). VCF-style: chrX-54309240-C-A. GRCh37 (hg19) VCF-style: chrX-54335673-C-A.
Other names: c.786G>T, p.Gln262His (NM_001002838.4, NM_001395166.1); short protein forms Q262H.
Identifiers: ClinVar variation 3982250 (VCV003982250.8).